The following is an entry in ClinVar:

NM_001103.4(ACTN2):c.1288G>A (p.Glu430Lys)

Gene: ACTN2 (actinin alpha 2; plus strand). Cytogenetic location: 1q43.
Variant type: single nucleotide variant.
Coding change: c.1288G>A on transcript NM_001103.4 (MANE Select); coding-DNA position 1288, G replaced by A.
Protein change: p.Glu430Lys; replaces glutamic acid 430 with lysine.
Molecular consequence: missense variant. On other transcripts: non-coding transcript variant (1).
Genome position (GRCh38, 1-based): chr1:236,744,658, G>A. VCF-style: chr1-236744658-G-A. GRCh37 (hg19) VCF-style: chr1-236907958-G-A.
Other names: c.1288G>A, p.Glu430Lys (NM_001278343.2); short protein forms E430K.
Identifiers: ClinVar variation 3763189 (VCV003763189.4).
Genomic context (GRCh38, chr1:236,744,658, plus strand): 5'-TCATACTTTCTTGCTACCACCTTTGCAGGCAAAGAGCAGATCTTGCTGCAGAAGGATTAC[G>A]AGTCGGCGTCGCTGACAGAGGTGCGGGCTCTGCTGCGGAAGCACGAGGCGTTCGAGAGCG-3'
Protein context (NP_001094.1, residues 420-440): KEQILLQKDY[Glu430Lys]SASLTEVRAL

ClinVar aggregate classification (germline): Uncertain significance. Review status: criteria provided, multiple submitters, no conflicts (2 of 4 stars). 2 submissions from 2 submitters: Uncertain significance (2). Last evaluated 2025-11-21.

Conditions:
Dilated cardiomyopathy 1AA (CMD1AA). Also called: CARDIOMYOPATHY, DILATED, 1AA, WITH OR WITHOUT LEFT VENTRICULAR NONCOMPACTION; CARDIOMYOPATHY, FAMILIAL HYPERTROPHIC, 23, WITH OR WITHOUT LEFT VENTRICULAR NONCOMPACTION; Cardiomyopathy, dilated, 1AA, with or without LVNC. Identifiers: Orphanet 154, MedGen C2677338, MONDO:0012808, OMIM 612158.
Primary familial hypertrophic cardiomyopathy (HCM). Identifiers: Orphanet 99739, MedGen C0949658, MeSH D024741, MONDO:0024573. Inheritance: Various modes of inheritance.

gnomAD v4.1: 6 of 1,614,204 alleles (0.00037%); highest among the groups gnomAD compares: African/African-American, 0.0013%; no homozygotes.

Submissions (2):

Dasa
Classification: Uncertain significance. Last evaluated: 2025-11-21. Review status: criteria provided, single submitter. Criteria: DASA Assertion Criteria. Collection method: clinical testing. Allele origin: germline.
Comment: NM_001103.4(ACTN2):c.1288G>A (p.Glu430Lys) is a missense variant that results in the substitution of glutamic acid with lysine. This variant is rare in population databases. The currently available literature and clinical evidence are not sufficient to establish a definitive association between this variant and the reported condition. Therefore, this variant is classified as a variant of uncertain significance.

Labcorp Genetics (formerly Invitae), Labcorp
Classification: Uncertain significance for Primary familial hypertrophic cardiomyopathy; Dilated cardiomyopathy 1AA. Last evaluated: 2024-11-11. Review status: criteria provided, single submitter. Criteria: Invitae Variant Classification Sherloc (09022015). Collection method: clinical testing. Allele origin: germline.
Comment: This sequence change replaces glutamic acid, which is acidic and polar, with lysine, which is basic and polar, at codon 430 of the ACTN2 protein (p.Glu430Lys). This variant is present in population databases (rs370865082, gnomAD 0.0009%). This variant has not been reported in the literature in individuals affected with ACTN2-related conditions. Invitae Evidence Modeling of protein sequence and biophysical properties (such as structural, functional, and spatial information, amino acid conservation, physicochemical variation, residue mobility, and thermodynamic stability) indicates that this missense variant is not expected to disrupt ACTN2 protein function with a negative predictive value of 80%. In summary, the available evidence is currently insufficient to determine the role of this variant in disease. Therefore, it has been classified as a Variant of Uncertain Significance.